The following is an entry in ClinVar:

ClinVar aggregate classification (germline): Pathogenic/Likely pathogenic. Review status: criteria provided, multiple submitters, no conflicts (2 of 4 stars). 5 submissions from 4 submitters: Pathogenic (2); Likely pathogenic (1). 2 of the submissions do not count toward it. Last evaluated 2024-03-25.

Conditions:
Schinzel phocomelia syndrome. Also called: Phocomelia, Schinzel type; ULNA AND FIBULA, ABSENCE OF, WITH SEVERE LIMB DEFICIENCY; AL-AWADI/RAAS-ROTHSCHILD SYNDROME; LIMB/PELVIS-HYPOPLASIA/APLASIA SYNDROME. Identifiers: Orphanet 2879, MedGen C1848651, MONDO:0010164, OMIM 276820.
Fuhrmann syndrome. Identifiers: Orphanet 2854, MedGen C1856728, MONDO:0009232, OMIM 228930.

gnomAD v4.1: 1 of 1,613,534 alleles (0.000062%); highest among the groups gnomAD compares: Non-Finnish European, 0.000085%; no homozygotes.

Submissions (5):

Genomic Medicine Center of Excellence, King Faisal Specialist Hospital and Research Centre
Classification: Pathogenic for Schinzel phocomelia syndrome. Last evaluated: 2024-03-25. Review status: criteria provided, single submitter. Criteria: ACMG Guidelines, 2015. Collection method: clinical testing. Allele origin: germline.

Eurofins Ntd Llc (ga)
Classification: Likely pathogenic. Last evaluated: 2016-03-15. Review status: criteria provided, single submitter. Criteria: EGL Classification Definitions 2015. Collection method: clinical testing. Allele origin: germline. Observed: 1 variant allele, 1 heterozygote.

GeneDx
Classification: Pathogenic. Last evaluated: 2015-09-16. Review status: criteria provided, single submitter. Criteria: GeneDx Variant Classification (06012015). Collection method: clinical testing. Allele origin: germline. Affected: yes.
Comment: The G204S variant in the WNT7A gene has been reported previously in association with both autosomal recessive Al-Awadi/Raas-Rothschild syndrome (AARRS) and Fuhrmann syndrome (FS) (Al-Qattan et al., 2009; Eyaid et al., 2011; Al-Qattan et al., 2013). The G204S substitution was not observed in approximately 6500 individuals of European and African American ancestry in the NHLBI Exome Sequencing Project, indicating it is not a common benign variant in these populations. The G204S variant is a non-conservative amino acid substitution, which occurs at a position that is conserved across species. In silico analysis predicts this variant is probably damaging to the protein structure/function. We interpret G204S as a pathogenic variant.

OMIM
Classification: Pathogenic for ULNA AND FIBULA, ABSENCE OF, WITH SEVERE LIMB DEFICIENCY. Last evaluated: 2011-03-01. Review status: no assertion criteria provided. Collection method: literature only. Allele origin: germline. Not counted in ClinVar's aggregate classification.

OMIM
Classification: Pathogenic for FUHRMANN SYNDROME. Last evaluated: 2011-03-01. Review status: no assertion criteria provided. Collection method: literature only. Allele origin: germline. Not counted in ClinVar's aggregate classification.

Literature cited by the submitters: PubMed 21344627 (cited by Eurofins Ntd Llc (ga) and OMIM); PubMed 23266637 (cited by OMIM); PubMed 19282404 (cited by OMIM); PubMed 12809666 (cited by OMIM).

NM_004625.4(WNT7A):c.610G>A (p.Gly204Ser)

Gene: WNT7A (Wnt family member 7A; minus strand). Cytogenetic location: 3p25.1.
Variant type: single nucleotide variant.
Coding change: c.610G>A on transcript NM_004625.4 (MANE Select); coding-DNA position 610, G replaced by A.
Protein change: p.Gly204Ser; replaces glycine 204 with serine.
Molecular consequence: missense variant.
Genome position (GRCh38, 1-based): chr3:13,819,384, C>T on the plus strand (G>A on the coding strand, the complement: WNT7A is on the minus strand). VCF-style: chr3-13819384-C-T. GRCh37 (hg19) VCF-style: chr3-13860881-C-T.
Other names: short protein forms G204S.
Identifiers: ClinVar variation 35537 (VCV000035537.8), dbSNP rs387907231, ClinGen allele CA129935.
Genomic context (GRCh38, chr3:13,819,384, plus strand): 5'-GCTCCCGAAACTGTGGCAGTGTGGTCCAGCACGTCTTGGTGGTGCACGAGCCTGACACGC[C>T]GTGGCACTTACATTCCAGCTTCATGTTCTCCTCCAGGATCTGCAGGGGAGGGCGGGGAAG-3'
Protein context (NP_004616.2, residues 194-214): ENMKLECKCH[Gly204Ser]VSGSCTTKTC